The following is an entry in ClinVar:

NM_080680.3(COL11A2):c.3381G>C (p.Glu1127Asp)

Gene: COL11A2 (collagen type XI alpha 2 chain; minus strand). Cytogenetic location: 6p21.32.
Variant type: single nucleotide variant.
Coding change: c.3381G>C on transcript NM_080680.3 (MANE Select); coding-DNA position 3381, G replaced by C.
Protein change: p.Glu1127Asp; replaces glutamic acid 1127 with aspartic acid.
Molecular consequence: missense variant.
Genome position (GRCh38, 1-based): chr6:33,170,903, C>G on the plus strand (G>C on the coding strand, the complement: COL11A2 is on the minus strand). VCF-style: chr6-33170903-C-G. GRCh37 (hg19) VCF-style: chr6-33138680-C-G.
Other names: c.3060G>C, p.Glu1020Asp (NM_080679.3); c.3123G>C, p.Glu1041Asp (NM_080681.3); short protein forms E1127D, E1041D, E1020D.
Identifiers: ClinVar variation 393070 (VCV000393070.11), dbSNP rs768988213, ClinGen allele CA3750521.

ClinVar aggregate classification (germline): Conflicting classifications of pathogenicity. Review status: criteria provided, conflicting classifications (1 of 4 stars). 4 submissions from 4 submitters: Uncertain significance (2); Likely benign (2). Last evaluated 2026-09-22.

Conditions:
COL11A2-related disorder. Also called: COL11A2-related disorders; COL11A2-related condition.

Allele frequency attached by ClinVar (database versions not stated): TOPMed 0.00002; gnomAD 0.00006.
gnomAD v4.1: 47 of 1,612,786 alleles (0.0029%); highest among the groups gnomAD compares: Non-Finnish European, 0.0037%; no homozygotes.

Submissions (4):

PreventionGenetics, part of Exact Sciences
Classification: Uncertain significance for COL11A2-related condition. Last evaluated: 2026-09-22. Review status: criteria provided, single submitter. Criteria: ACMG Guidelines, 2015. Collection method: clinical testing. Allele origin: germline.
Comment: The COL11A2 c.3381G>C variant is predicted to result in the amino acid substitution p.Glu1127Asp. To our knowledge, this variant has not been reported in the literature. This variant is reported in 0.0057% of alleles in individuals of Latino descent in gnomAD. At this time, the clinical significance of this variant is uncertain due to the absence of conclusive functional and genetic evidence.

Labcorp Genetics (formerly Invitae), Labcorp
Classification: Likely benign. Last evaluated: 2025-12-24. Review status: criteria provided, single submitter. Criteria: Invitae Variant Classification Sherloc (09022015). Collection method: clinical testing. Allele origin: germline.

Blueprint Genetics
Classification: Likely benign. Last evaluated: 2024-04-22. Review status: criteria provided, single submitter. Criteria: ACMG Guidelines, 2015. Collection method: clinical testing. Allele origin: germline.

GeneDx
Classification: Uncertain significance. Last evaluated: 2020-10-12. Review status: criteria provided, single submitter. Criteria: GeneDx Variant Classification Process June 2021. Collection method: clinical testing. Allele origin: germline. Affected: yes.
Comment: Has not been previously published as pathogenic or benign to our knowledge; In silico analysis supports that this missense variant does not alter protein structure/function